The following is an entry in ClinVar:

NM_017633.3(TENT5A):c.81C>T (p.Phe27=)

Gene: TENT5A (terminal nucleotidyltransferase 5A; minus strand). Cytogenetic location: 6q14.1.
Variant type: single nucleotide variant.
Coding change: c.81C>T on transcript NM_017633.3 (MANE Select); coding-DNA position 81, C replaced by T.
Protein change: p.Phe27=; no amino-acid change (phenylalanine 27 retained).
Molecular consequence: synonymous variant.
Genome position (GRCh38, 1-based): chr6:81,752,061, G>A on the plus strand (C>T on the coding strand, the complement: TENT5A is on the minus strand). VCF-style: chr6-81752061-G-A. GRCh37 (hg19) VCF-style: chr6-82461778-G-A.
Identifiers: ClinVar variation 3778210 (VCV003778210.7).

ClinVar aggregate classification (germline): Likely benign (1 of 4 stars; one submission).

gnomAD v4.1: 11 of 1,594,578 alleles (0.00069%); highest among the groups gnomAD compares: African/African-American, 0.012%; no homozygotes.

Submission:

CeGaT Center for Human Genetics Tuebingen
Classification: Likely benign. Last evaluated: 2025-03-01. Review status: criteria provided, single submitter. Criteria: CeGaT Center For Human Genetics Tuebingen Variant Classification Criteria Version 2. Collection method: clinical testing. Allele origin: germline. Affected: yes. Observed: 1 variant allele.
Comment: TENT5A: BP4, BP7